The following is an entry in ClinVar:

NM_001377540.1(SLMAP):c.367T>G (p.Ser123Ala)

Gene: SLMAP (sarcolemma associated protein; plus strand). Cytogenetic location: 3p14.3.
Variant type: single nucleotide variant.
Coding change: c.367T>G on transcript NM_001377540.1 (MANE Select); coding-DNA position 367, T replaced by G.
Protein change: p.Ser123Ala; replaces serine 123 with alanine.
Molecular consequence: missense variant. On other transcripts: non-coding transcript variant (1).
Genome position (GRCh38, 1-based): chr3:57,841,319, T>G. VCF-style: chr3-57841319-T-G. GRCh37 (hg19) VCF-style: chr3-57827046-T-G.
Other names: c.367T>G, p.Ser123Ala (NM_001304420.3, NM_001304421.2, NM_001377538.1 and 17 more transcripts); short protein forms S123A.
Identifiers: ClinVar variation 2448000 (VCV002448000.2), dbSNP rs1413305140, ClinGen allele CA353406210.
Genomic context (GRCh38, chr3:57,841,319, plus strand): 5'-AACAATTATTTCATCCATATTATTTGTTTGTTTCAACCAGTTACCCATGGGTGTATTGTT[T>G]CCACAATAAAACTTTTTCTACCAGATGGTATGGAAGCCCGGCTCCGCTCAGAGTGAGTAT-3'
Protein context (NP_001364469.1, residues 113-133): TRKVTHGCIV[Ser123Ala]TIKLFLPDGM

ClinVar aggregate classification (germline): Uncertain significance (1 of 4 stars; one submission).

Allele frequency attached by ClinVar (database versions not stated): gnomAD exomes below 0.00001; TOPMed below 0.00001; gnomAD 0.00001.
gnomAD v4.1: 2 of 1,606,078 alleles (0.00012%); highest among the groups gnomAD compares: African/African-American, 0.0027%; no homozygotes.

Submission:

Ambry Genetics
Classification: Uncertain significance. Last evaluated: 2022-12-16. Review status: criteria provided, single submitter. Criteria: Ambry Variant Classification Scheme 2023. Collection method: clinical testing. Allele origin: germline.
Comment: The p.S123A variant (also known as c.367T>G), located in coding exon 3 of the SLMAP gene, results from a T to G substitution at nucleotide position 367. The serine at codon 123 is replaced by alanine, an amino acid with similar properties. This amino acid position is conserved. In addition, this alteration is predicted to be tolerated by in silico analysis. Since supporting evidence is limited at this time, the clinical significance of this alteration remains unclear.